The following is an entry in ClinVar:

ClinVar aggregate classification (germline): Uncertain significance (1 of 4 stars; one submission).

Conditions:
ARID1B-Related Disorder. Identifiers: MedGen CN381337.

Submission:

PreventionGenetics, part of Exact Sciences
Classification: Uncertain significance for ARID1B-related condition. Last evaluated: 2025-01-27. Review status: criteria provided, single submitter. Criteria: ACMG Guidelines, 2015. Collection method: clinical testing. Allele origin: germline.
Comment: The ARID1B c.2T>G variant is predicted to disrupt the translation initiation site (Start loss). This variant can also be described as c.251T>G (p.Met84Arg) in the transcripts NM_001374820.1 and NM_001374828.1. To our knowledge, this variant has not been reported in the literature or in a large population database (gnomAD), indicating this variant is rare. At this time, the clinical significance of this variant is uncertain due to the absence of conclusive functional and genetic evidence.

NM_001374828.1(ARID1B):c.251T>G (p.Met84Arg)

Genes: ARID1B (AT-rich interaction domain 1B; plus strand), LOC115308161 (uncharacterized LOC115308161; minus strand), LOC129997523 (ATAC-STARR-seq lymphoblastoid silent region 17710; plus strand). Cytogenetic location: 6q25.3.
Variant type: single nucleotide variant.
Coding change: c.251T>G on transcript NM_001374828.1 (MANE Select); coding-DNA position 251, T replaced by G.
Protein change: p.Met84Arg; replaces methionine 84 with arginine.
Molecular consequence: missense variant.
Genome position (GRCh38, 1-based): chr6:156,777,931, T>G. VCF-style: chr6-156777931-T-G. GRCh37 (hg19) VCF-style: chr6-157099065-T-G.
Other names: c.2T>G (NM_020732.3); c.251T>G, p.Met84Arg (NM_001371656.1, NM_001374820.1, NM_001438482.1 and 9 more transcripts); short protein forms M84R.
Identifiers: ClinVar variation 5001352 (VCV005001352.1).
Genomic context (GRCh38, chr6:156,777,931, plus strand): 5'-GCGGCGGCGGCCTGAACAGTGTGCACCACCACCCCCTGCTCCCCCGTCACGAACTCAACA[T>G]GGCCCATAACGCGGGCGCCGCGGCCGCCGCCGGCACCCACAGCGCCAAGAGCGGCGGCTC-3'
Protein context (NP_001361757.1, residues 74-94): HPLLPRHELN[Met84Arg]AHNAGAAAAA